The following is an entry in ClinVar:

NM_021098.3(CACNA1H):c.5611C>T (p.Arg1871Trp)

Gene: CACNA1H (calcium voltage-gated channel subunit alpha1 H; plus strand). Cytogenetic location: 16p13.3.
Variant type: single nucleotide variant.
Coding change: c.5611C>T on transcript NM_021098.3 (MANE Select); coding-DNA position 5611, C replaced by T.
Protein change: p.Arg1871Trp; replaces arginine 1871 with tryptophan.
Molecular consequence: missense variant.
Genome position (GRCh38, 1-based): chr16:1,218,375, C>T. VCF-style: chr16-1218375-C-T. GRCh37 (hg19) VCF-style: chr16-1268375-C-T.
Other names: c.5593C>T, p.Arg1865Trp (NM_001005407.2); short protein forms R1865W, R1871W.
Identifiers: ClinVar variation 845314 (VCV000845314.11), dbSNP rs866836108, ClinGen allele CA276612501.
Genomic context (GRCh38, chr16:1,218,375, plus strand): 5'-CTGGTGAACGTGGTGGTGGCCGTGCTCATGAAGCACCTGGAGGAGAGCAACAAGGAGGCA[C>T]GGGAGGATGCGGAGCTGGACGCCGAGATCGAGCTGGAGATGGCGCAGGGCCCCGGGAGTG-3'
Protein context (NP_066921.2, residues 1861-1881): KHLEESNKEA[Arg1871Trp]EDAELDAEIE

ClinVar aggregate classification (germline): Uncertain significance. Review status: criteria provided, multiple submitters, no conflicts (2 of 4 stars). 3 submissions from 3 submitters: Uncertain significance (3). Last evaluated 2025-01-05.

Conditions:
Hyperaldosteronism, familial, type IV (HALD4). Also called: FH IV; ALDOSTERONISM, PRIMARY, AND HYPERTENSION. Identifiers: Orphanet 642671, MedGen C4310756, MONDO:0014875, OMIM 617027.
Idiopathic generalized epilepsy. Also called: EIG; Generalised epilepsy. Identifiers: MedGen C0270850, MONDO:0005579, OMIM 600669.
Epilepsy, childhood absence, susceptibility to, 6. Identifiers: Orphanet 64280, MedGen C2749872, MONDO:0012763, OMIM 611942.
Inborn genetic diseases. Identifiers: MedGen C0950123, MeSH D030342.

Allele frequency attached by ClinVar (database versions not stated): gnomAD exomes 0.00003; gnomAD 0.00004; TOPMed 0.00004.

Submissions (3):

Labcorp Genetics (formerly Invitae), Labcorp
Classification: Uncertain significance for Idiopathic generalized epilepsy; Hyperaldosteronism, familial, type IV. Last evaluated: 2025-01-05. Review status: criteria provided, single submitter. Criteria: Invitae Variant Classification Sherloc (09022015). Collection method: clinical testing. Allele origin: germline.
Comment: This sequence change replaces arginine, which is basic and polar, with tryptophan, which is neutral and slightly polar, at codon 1871 of the CACNA1H protein (p.Arg1871Trp). The frequency data for this variant in the population databases is considered unreliable, as metrics indicate poor data quality at this position in the gnomAD database. This variant has not been reported in the literature in individuals affected with CACNA1H-related conditions. ClinVar contains an entry for this variant (Variation ID: 845314). Invitae Evidence Modeling of protein sequence and biophysical properties (such as structural, functional, and spatial information, amino acid conservation, physicochemical variation, residue mobility, and thermodynamic stability) indicates that this missense variant is not expected to disrupt CACNA1H protein function with a negative predictive value of 80%. In summary, the available evidence is currently insufficient to determine the role of this variant in disease. Therefore, it has been classified as a Variant of Uncertain Significance.

Ambry Genetics
Classification: Uncertain significance for Inborn genetic diseases. Last evaluated: 2024-01-23. Review status: criteria provided, single submitter. Criteria: Ambry Variant Classification Scheme 2023. Collection method: clinical testing. Allele origin: germline.

Fulgent Genetics
Classification: Uncertain significance for Epilepsy, childhood absence, susceptibility to, 6; Hyperaldosteronism, familial, type IV. Last evaluated: 2022-01-11. Review status: criteria provided, single submitter. Criteria: ACMG Guidelines, 2015. Collection method: clinical testing. Allele origin: unknown.